The following is an entry in ClinVar:

NM_001378454.1(ALMS1):c.1008_1009del (p.Cys336_Asp337delinsTer)

Gene: ALMS1 (ALMS1 centrosome and basal body associated protein; plus strand). Cytogenetic location: 2p13.1.
Variant type: Microsatellite.
Coding change: c.1008_1009del on transcript NM_001378454.1 (MANE Select); coding-DNA positions 1008 to 1009, 2 bases deleted (TG; older notation c.1008_1009delTG).
Protein change: p.Cys336_Asp337delinsTer.
Molecular consequence: nonsense.
Genome position (GRCh38, 1-based): chr2:73,424,673-73,424,674, TG deleted; deleting any 2 consecutive bases within chr2:73,424,671-73,424,674 gives the same sequence; the c. name uses the placement nearest the transcript's 3' end. VCF-style (leftmost placement, unchanged base first): chr2-73424670-CTG-C. GRCh37 (hg19) VCF-style: chr2-73651798-CTG-C.
Other names: c.1011_1012del, p.Cys337_Asp338delinsTer (NM_015120.4); c.1011_1012delTG (NM_015120.4).
Identifiers: ClinVar variation 865951 (VCV000865951.5), dbSNP rs1205704532, ClinGen allele CA534125630.

ClinVar aggregate classification (germline): Pathogenic. Review status: criteria provided, multiple submitters, no conflicts (2 of 4 stars). 3 submissions from 3 submitters: Pathogenic (3). Last evaluated 2025-08-17.

Conditions:
Cardiovascular phenotype. Identifiers: MedGen CN230736.
ALMS1-related disorder. Also called: ALMS1-related condition.
Alstrom syndrome (ALMS). Identifiers: Orphanet 64, MedGen C0268425, MONDO:0008763, OMIM 203800.

Submissions (3):

Labcorp Genetics (formerly Invitae), Labcorp
Classification: Pathogenic for Alstrom syndrome. Last evaluated: 2025-08-17. Review status: criteria provided, single submitter. Criteria: Invitae Variant Classification Sherloc (09022015). Collection method: clinical testing. Allele origin: germline.
Comment: This sequence change creates a premature translational stop signal (p.Cys337*) in the ALMS1 gene. It is expected to result in an absent or disrupted protein product. Loss-of-function variants in ALMS1 are known to be pathogenic (PMID: 17594715). This variant is present in population databases (no rsID available, gnomAD 0.0009%). This premature translational stop signal has been observed in individual(s) with Alstrom syndrome (PMID: 24462884). ClinVar contains an entry for this variant (Variation ID: 865951). For these reasons, this variant has been classified as Pathogenic.

Ambry Genetics
Classification: Pathogenic for Cardiovascular phenotype. Last evaluated: 2025-03-06. Review status: criteria provided, single submitter. Criteria: Ambry Variant Classification Scheme 2023. Collection method: clinical testing. Allele origin: germline.
Comment: The c.1011_1012delTG pathogenic mutation, located in coding exon 5 of the ALMS1 gene, results from a deletion of two nucleotides at nucleotide positions 1011 to 1012, causing a translational frameshift with a predicted alternate stop codon (p.C337*). This variant was reported in individual(s) with features consistent with Alstrom syndrome (Paisey RB et al. Eur J Med Genet, 2014 Feb;57:71-5). This variant is considered to be rare based on population cohorts in the Genome Aggregation Database (gnomAD). In addition to the clinical data presented in the literature, this alteration is expected to result in loss of function by premature protein truncation or nonsense-mediated mRNA decay. As such, this alteration is interpreted as a disease-causing mutation.

Blueprint Genetics
Classification: Pathogenic for ALMS1-related disorders. Last evaluated: 2019-06-17. Review status: criteria provided, single submitter. Criteria: ACMG Guidelines, 2015. Collection method: clinical testing. Allele origin: germline. Affected: yes. Observed: 2 variant alleles.

Literature cited by the submitters: PubMed 17594715 (cited by Labcorp Genetics (formerly Invitae), Labcorp); PubMed 24462884 (cited by Labcorp Genetics (formerly Invitae), Labcorp and Ambry Genetics).